The following is an entry in ClinVar:

ClinVar aggregate classification (germline): Conflicting classifications of pathogenicity. Review status: criteria provided, conflicting classifications (1 of 4 stars). 3 submissions from 3 submitters: Uncertain significance (1); Likely benign (2). Last evaluated 2025-02-23.

Conditions:
Inborn genetic diseases. Identifiers: MedGen C0950123, MeSH D030342.

Allele frequency attached by ClinVar (database versions not stated): gnomAD exomes 0.00001; TOPMed 0.00002; ExAC 0.00004; gnomAD 0.00005.

Submissions (3):

Ambry Genetics
Classification: Likely benign for Inborn genetic diseases. Last evaluated: 2025-02-23. Review status: criteria provided, single submitter. Criteria: Ambry Variant Classification Scheme 2023. Collection method: clinical testing. Allele origin: germline.

Blueprint Genetics
Classification: Likely benign. Last evaluated: 2024-02-21. Review status: criteria provided, single submitter. Criteria: ACMG Guidelines, 2015. Collection method: clinical testing. Allele origin: germline.

Labcorp Genetics (formerly Invitae), Labcorp
Classification: Uncertain significance. Last evaluated: 2022-03-18. Review status: criteria provided, single submitter. Criteria: Invitae Variant Classification Sherloc (09022015). Collection method: clinical testing. Allele origin: germline.
Comment: This variant is present in population databases (rs760472969, gnomAD 0.006%). In summary, the available evidence is currently insufficient to determine the role of this variant in disease. Therefore, it has been classified as a Variant of Uncertain Significance. Algorithms developed to predict the effect of missense changes on protein structure and function output the following: SIFT: "Tolerated"; PolyPhen-2: "Benign"; Align-GVGD: "Class C0". The leucine amino acid residue is found in multiple mammalian species, which suggests that this missense change does not adversely affect protein function. This variant has not been reported in the literature in individuals affected with C8B-related conditions. This sequence change replaces proline, which is neutral and non-polar, with leucine, which is neutral and non-polar, at codon 12 of the C8B protein (p.Pro12Leu).

NM_000066.4(C8B):c.35C>T (p.Pro12Leu)

Gene: C8B (complement C8 beta chain; minus strand). Cytogenetic location: 1p32.2.
Variant type: single nucleotide variant.
Coding change: c.35C>T on transcript NM_000066.4 (MANE Select); coding-DNA position 35, C replaced by T.
Protein change: p.Pro12Leu; replaces proline 12 with leucine.
Molecular consequence: missense variant. On other transcripts: 5 prime UTR variant (2).
Genome position (GRCh38, 1-based): chr1:56,965,914, G>A on the plus strand (C>T on the coding strand, the complement: C8B is on the minus strand). VCF-style: chr1-56965914-G-A. GRCh37 (hg19) VCF-style: chr1-57431587-G-A.
Other names: c.-344C>T (NM_001278543.2); c.-281C>T (NM_001278544.2); short protein forms P12L.
Identifiers: ClinVar variation 1914175 (VCV001914175.6), dbSNP rs760472969, ClinGen allele CA876135.